The following is an entry in ClinVar:

NM_001276345.2(TNNT2):c.105G>T (p.Glu35Asp)

Gene: TNNT2 (troponin T2, cardiac type; minus strand). Cytogenetic location: 1q32.1.
Variant type: single nucleotide variant.
Coding change: c.105G>T on transcript NM_001276345.2 (MANE Select); coding-DNA position 105, G replaced by T.
Protein change: p.Glu35Asp; replaces glutamic acid 35 with aspartic acid.
Molecular consequence: missense variant.
Genome position (GRCh38, 1-based): chr1:201,368,220, C>A on the plus strand (G>T on the coding strand, the complement: TNNT2 is on the minus strand). VCF-style: chr1-201368220-C-A. GRCh37 (hg19) VCF-style: chr1-201337348-C-A.
Other names: c.105G>T, p.Glu35Asp (NM_000364.4, NM_001276346.2); c.75G>T, p.Glu25Asp (NM_001001430.3, NM_001001431.3, NM_001276347.2); c.60G>T, p.Glu20Asp (NM_001001432.3); short protein forms E20D, E25D, E35D.
Identifiers: ClinVar variation 1332573 (VCV001332573.6), dbSNP rs1660031053, ClinGen allele CA344207385.

ClinVar aggregate classification (germline): Uncertain significance. Review status: criteria provided, multiple submitters, no conflicts (2 of 4 stars). 2 submissions from 2 submitters: Uncertain significance (2). Last evaluated 2025-04-01.

Conditions:
Dilated cardiomyopathy 1D. Identifiers: Orphanet 154, Orphanet 54260, MedGen C1832243, MONDO:0011095, OMIM 601494.
Cardiomyopathy, familial restrictive, 3. Identifiers: Orphanet 75249, MedGen C2676271, MONDO:0012900, OMIM 612422.
Hypertrophic cardiomyopathy 2. Also called: TNNT2-Related Familial Hypertrophic Cardiomyopathy. Identifiers: MedGen C1861864, MONDO:0007266, OMIM 115195.
Cardiomyopathy (CMYO). Also called: Cardiomyopathies. Identifiers: Orphanet 167848, MedGen C0878544, MONDO:0004994, HP:0001638. Inheritance: Various modes of inheritance.

Allele frequency attached by ClinVar (database versions not stated): gnomAD exomes below 0.00001; gnomAD 0.00001.
gnomAD v4.1: 2 of 1,614,024 alleles (0.00012%); highest among the groups gnomAD compares: Admixed American, 0.0033%; no homozygotes.

Submissions (2):

Labcorp Genetics (formerly Invitae), Labcorp
Classification: Uncertain significance for Cardiomyopathy, familial restrictive, 3; Hypertrophic cardiomyopathy 2; Dilated cardiomyopathy 1D. Last evaluated: 2025-04-01. Review status: criteria provided, single submitter. Criteria: Invitae Variant Classification Sherloc (09022015). Collection method: clinical testing. Allele origin: germline.
Comment: This sequence change replaces glutamic acid, which is acidic and polar, with aspartic acid, which is acidic and polar, at codon 25 of the TNNT2 protein (p.Glu25Asp). This variant is not present in population databases (gnomAD no frequency). This variant has not been reported in the literature in individuals affected with TNNT2-related conditions. ClinVar contains an entry for this variant (Variation ID: 1332573). Invitae Evidence Modeling of protein sequence and biophysical properties (such as structural, functional, and spatial information, amino acid conservation, physicochemical variation, residue mobility, and thermodynamic stability) has been performed for this missense variant. However, the output from this modeling did not meet the statistical confidence thresholds required to predict the impact of this variant on TNNT2 protein function. In summary, the available evidence is currently insufficient to determine the role of this variant in disease. Therefore, it has been classified as a Variant of Uncertain Significance.

Color Diagnostics, LLC DBA Color Health
Classification: Uncertain significance for Cardiomyopathy. Last evaluated: 2024-03-06. Review status: criteria provided, single submitter. Criteria: ACMG Guidelines, 2015. Collection method: clinical testing. Allele origin: germline.
Comment: This missense variant replaces glutamic acid with aspartic acid at codon 25 of the TNNT2 protein. Computational prediction is inconclusive regarding the impact of this variant on protein structure and function (internally defined REVEL score threshold 0.5 < inconclusive < 0.7, PMID: 27666373). To our knowledge, functional studies have not been reported for this variant. This variant has not been reported in individuals affected with cardiovascular disorders in the literature. This variant has not been identified in the general population by the Genome Aggregation Database (gnomAD). The available evidence is insufficient to determine the role of this variant in disease conclusively. Therefore, this variant is classified as a Variant of Uncertain Significance.